The following is an entry in ClinVar:

NM_004168.4(SDHA):c.457-3delinsTAAGCTAGAAATTTCATA

Gene: SDHA (succinate dehydrogenase complex flavoprotein subunit A; plus strand). Cytogenetic location: 5p15.33.
Variant type: Indel.
Coding change: c.457-3delinsTAAGCTAGAAATTTCATA on transcript NM_004168.4 (MANE Select); 3 bases into the intron before coding-DNA position 457, C replaced by TAAGCTAGAAATTTCATA.
Molecular consequence: intron variant.
Genome position (GRCh38, 1-based): chr5:225,880, C replaced by TAAGCTAGAAATTTCATA. VCF-style: chr5-225880-C-TAAGCTAGAAATTTCATA. GRCh37 (hg19) VCF-style: chr5-225995-C-TAAGCTAGAAATTTCATA.
Other names: c.457-3delinsTAAGCTAGAAATTTCATA (NM_001330758.2); c.313-3delinsTAAGCTAGAAATTTCATA (NM_001294332.2).
Identifiers: ClinVar variation 3438687 (VCV003438687.1).
Genomic context (GRCh38, chr5:225,880, plus strand): 5'-TAGCTGCGAATATCTTGACTCCTTTAAGGTGTTAAGGTTTTTGTTTGTTTTTATCTTTCA[C>TAAGCTAGAAATTTCATA]AGCTAGAAAATTATGGCATGCCGTTTAGCAGAACTGAAGATGGGAAGATTTATCAGCGTG-3'

ClinVar aggregate classification (germline): Likely pathogenic (1 of 4 stars; one submission).

Conditions:
Hereditary cancer-predisposing syndrome. Also called: Tumor predisposition; Neoplastic Syndromes, Hereditary; Hereditary neoplastic syndrome; Hereditary Cancer Syndrome. Identifiers: Orphanet 140162, MedGen C0027672, MeSH D009386, MONDO:0015356.

Submission:

Ambry Genetics
Classification: Likely pathogenic for Hereditary cancer-predisposing syndrome. Last evaluated: 2024-08-13. Review status: criteria provided, single submitter. Criteria: Ambry Variant Classification Scheme 2023. Collection method: clinical testing. Allele origin: germline.
Comment: The c.457-3delCins18 intronic variant, located in intron 4 of the SDHA gene, results from the deletion of one nucleotide and the insertion of 18 nucleotides (TAAGCTAGAAATTTCATA) at nucleotide position 457-3. In silico splice site analysis predicts that this alteration will weaken the native splice acceptor site and may result in the creation or strengthening of a novel splice acceptor site. The native splice acceptor site is well-conserved in available vertebrate species. RNA studies have demonstrated that this alteration results in abnormal splicing in the set of samples tested (Ambry internal data). This variant is considered to be rare based on population cohorts in the Genome Aggregation Database (gnomAD). Based on the majority of available evidence to date, this variant is likely to be pathogenic.